The following is an entry in ClinVar:

ClinVar aggregate classification (germline): Uncertain significance. Review status: criteria provided, multiple submitters, no conflicts (2 of 4 stars). 2 submissions from 2 submitters: Uncertain significance (2). Last evaluated 2026-06-11.

Conditions:
Hereditary cancer-predisposing syndrome. Also called: Tumor predisposition; Hereditary Cancer Syndrome; Hereditary neoplastic syndrome; Neoplastic Syndromes, Hereditary. Identifiers: Orphanet 140162, MedGen C0027672, MeSH D009386, MONDO:0015356.
POLD1-related polyposis and colorectal cancer syndrome (CRCS10). Also called: Colorectal cancer 10; COLORECTAL CANCER, SUSCEPTIBILITY TO, ON CHROMOSOME 19q; Colorectal cancer, susceptibility to, 10. Identifiers: Orphanet 220460, MedGen C2675481, MONDO:0012953, OMIM 612591.

Allele frequency attached by ClinVar (database versions not stated): TOPMed below 0.00001.

Submissions (2):

Ambry Genetics
Classification: Uncertain significance for Hereditary cancer-predisposing syndrome. Last evaluated: 2026-06-11. Review status: criteria provided, single submitter. Criteria: Ambry Variant Classification Scheme 2023. Collection method: clinical testing. Allele origin: germline.
Comment: The p.E301A variant (also known as c.902A>C), located in coding exon 7 of the POLD1 gene, results from an A to C substitution at nucleotide position 902. The glutamic acid at codon 301 is replaced by alanine, an amino acid with dissimilar properties. This amino acid position is well conserved in available vertebrate species. In addition, the in silico prediction for this alteration is inconclusive. Based on the available evidence, the clinical significance of this variant remains unclear.

Labcorp Genetics (formerly Invitae), Labcorp
Classification: Uncertain significance for POLD1-related polyposis and colorectal cancer syndrome. Last evaluated: 2024-09-06. Review status: criteria provided, single submitter. Criteria: Invitae Variant Classification Sherloc (09022015). Collection method: clinical testing. Allele origin: germline.
Comment: This sequence change replaces glutamic acid, which is acidic and polar, with alanine, which is neutral and non-polar, at codon 301 of the POLD1 protein (p.Glu301Ala). This variant is not present in population databases (gnomAD no frequency). This variant has not been reported in the literature in individuals affected with POLD1-related conditions. ClinVar contains an entry for this variant (Variation ID: 1021285). Invitae Evidence Modeling of protein sequence and biophysical properties (such as structural, functional, and spatial information, amino acid conservation, physicochemical variation, residue mobility, and thermodynamic stability) indicates that this missense variant is not expected to disrupt POLD1 protein function with a negative predictive value of 80%. In summary, the available evidence is currently insufficient to determine the role of this variant in disease. Therefore, it has been classified as a Variant of Uncertain Significance.

NM_002691.4(POLD1):c.902A>C (p.Glu301Ala)

Gene: POLD1 (DNA polymerase delta 1, catalytic subunit; plus strand). Cytogenetic location: 19q13.33.
Variant type: single nucleotide variant.
Coding change: c.902A>C on transcript NM_002691.4 (MANE Select); coding-DNA position 902, A replaced by C.
Protein change: p.Glu301Ala; replaces glutamic acid 301 with alanine.
Molecular consequence: missense variant. On other transcripts: non-coding transcript variant (1).
Genome position (GRCh38, 1-based): chr19:50,402,673, A>C. VCF-style: chr19-50402673-A-C. GRCh37 (hg19) VCF-style: chr19-50905930-A-C.
Other names: c.902A>C, p.Glu301Ala (NM_001256849.1, NM_001308632.1); c.902A>C (NM_002691.2); short protein forms E301A.
Identifiers: ClinVar variation 1021285 (VCV001021285.7), dbSNP rs1170636736, ClinGen allele CA406977004.
Genomic context (GRCh38, chr19:50,402,673, plus strand): 5'-CTACGCAGTGCCAGCTGGAGGCGGACGTGCTGTGGTCTGACGTGGTCAGTCACCCACCGG[A>C]AGGGCCATGGCAGCGCATTGCGCCCTTGCGCGTGCTCAGCTTCGATATCGAGTGCGCCGG-3'
Protein context (NP_002682.2, residues 291-311): LWSDVVSHPP[Glu301Ala]GPWQRIAPLR